The following is an entry in ClinVar:

NM_014797.3(ZBTB24):c.1394G>A (p.Gly465Asp)

Gene: ZBTB24 (zinc finger and BTB domain containing 24; minus strand). Cytogenetic location: 6q21.
Variant type: single nucleotide variant.
Coding change: c.1394G>A on transcript NM_014797.3 (MANE Select); coding-DNA position 1394, G replaced by A.
Protein change: p.Gly465Asp; replaces glycine 465 with aspartic acid.
Molecular consequence: missense variant.
Genome position (GRCh38, 1-based): chr6:109,466,551, C>T on the plus strand (G>A on the coding strand, the complement: ZBTB24 is on the minus strand). VCF-style: chr6-109466551-C-T. GRCh37 (hg19) VCF-style: chr6-109787754-C-T.
Other names: c.1394G>A (NM_014797.2); short protein forms G465D.
Identifiers: ClinVar variation 1007595 (VCV001007595.5), dbSNP rs1366402467, ClinGen allele CA365197104.

ClinVar aggregate classification (germline): Uncertain significance. Review status: criteria provided, multiple submitters, no conflicts (2 of 4 stars). 2 submissions from 2 submitters: Uncertain significance (2). Last evaluated 2024-07-27.

Conditions:
Inborn genetic diseases. Identifiers: MedGen C0950123, MeSH D030342.
Immunodeficiency-centromeric instability-facial anomalies syndrome 2 (ICF2). Identifiers: Orphanet 2268, MedGen C3279748, MONDO:0013553, OMIM 614069.

Allele frequency attached by ClinVar (database versions not stated): gnomAD exomes below 0.00001; gnomAD 0.00001; TOPMed 0.00001.
gnomAD v4.1: 3 of 1,612,608 alleles (0.00019%); highest among the groups gnomAD compares: Non-Finnish European, 0.00025%; no homozygotes.

Submissions (2):

Ambry Genetics
Classification: Uncertain significance for Inborn genetic diseases. Last evaluated: 2024-07-27. Review status: criteria provided, single submitter. Criteria: Ambry Variant Classification Scheme 2023. Collection method: clinical testing. Allele origin: germline.

Labcorp Genetics (formerly Invitae), Labcorp
Classification: Uncertain significance for Immunodeficiency-centromeric instability-facial anomalies syndrome 2. Last evaluated: 2021-12-19. Review status: criteria provided, single submitter. Criteria: Invitae Variant Classification Sherloc (09022015). Collection method: clinical testing. Allele origin: germline.
Comment: This sequence change replaces glycine, which is neutral and non-polar, with aspartic acid, which is acidic and polar, at codon 465 of the ZBTB24 protein (p.Gly465Asp). This variant is present in population databases (no rsID available, gnomAD 0.007%). This variant has not been reported in the literature in individuals affected with ZBTB24-related conditions. ClinVar contains an entry for this variant (Variation ID: 1007595). Algorithms developed to predict the effect of missense changes on protein structure and function are either unavailable or do not agree on the potential impact of this missense change (SIFT: "Not Available"; PolyPhen-2: "Benign"; Align-GVGD: "Not Available"). In summary, the available evidence is currently insufficient to determine the role of this variant in disease. Therefore, it has been classified as a Variant of Uncertain Significance.